The following is an entry in ClinVar:

ClinVar aggregate classification (germline): Benign/Likely benign. Review status: criteria provided, multiple submitters, no conflicts (2 of 4 stars). 4 submissions from 4 submitters: Benign (2); Likely benign (1). 1 of the submissions does not count toward it. Last evaluated 2026-03-10.

Conditions:
Primary dilated cardiomyopathy (DCM). Also called: Dilated Cardiomyopathy. Identifiers: Orphanet 217604, MedGen C0007193, MeSH D002311, MONDO:0005021, HP:0001644. Inheritance: Various modes of inheritance.
NEBL-related disorder. Also called: NEBL-related condition.

Allele frequency attached by ClinVar (database versions not stated): gnomAD 0.00005 and 0.00014; TOPMed 0.00005; ESP Exome Variant Server 0.00008; ExAC 0.00040; 1000 Genomes Project 30x 0.00062; 1000 Genomes Project 0.00080.
gnomAD v4.1: 308 of 1,612,926 alleles (0.019%); highest among the groups gnomAD compares: South Asian, 0.24%; 2 homozygotes.

Submissions (4):

Women's Health and Genetics/Laboratory Corporation of America, LabCorp
Classification: Benign. Last evaluated: 2026-03-10. Review status: criteria provided, single submitter. Criteria: LabCorp Variant Classification Summary - May 2015. Collection method: clinical testing. Allele origin: germline.

Labcorp Genetics (formerly Invitae), Labcorp
Classification: Benign for Primary dilated cardiomyopathy. Last evaluated: 2025-11-09. Review status: criteria provided, single submitter. Criteria: Invitae Variant Classification Sherloc (09022015). Collection method: clinical testing. Allele origin: germline.

Ambry Genetics
Classification: Likely benign. Last evaluated: 2022-03-07. Review status: criteria provided, single submitter. Criteria: Ambry Variant Classification Scheme 2023. Collection method: clinical testing. Allele origin: germline.

PreventionGenetics, part of Exact Sciences
Classification: Likely benign for NEBL-related condition. Last evaluated: 2019-04-09. Review status: no assertion criteria provided. Collection method: clinical testing. Allele origin: germline. Not counted in ClinVar's aggregate classification.
Comment: This variant is classified as likely benign based on ACMG/AMP sequence variant interpretation guidelines (Richards et al. 2015 PMID: 25741868, with internal and published modifications).

NM_006393.3(NEBL):c.993C>T (p.Ala331=)

Gene: NEBL (nebulette; minus strand). Cytogenetic location: 10p12.31.
Variant type: single nucleotide variant.
Coding change: c.993C>T on transcript NM_006393.3 (MANE Select); coding-DNA position 993, C replaced by T.
Protein change: p.Ala331=; no amino-acid change (alanine 331 retained).
Molecular consequence: synonymous variant. On other transcripts: intron variant (9).
Genome position (GRCh38, 1-based): chr10:20,852,560, G>A on the plus strand (C>T on the coding strand, the complement: NEBL is on the minus strand). VCF-style: chr10-20852560-G-A. GRCh37 (hg19) VCF-style: chr10-21141489-G-A.
Other names: c.250-39620C>T (NM_001377326.1, NM_001377327.1, NM_001377328.1); c.358-39620C>T (NM_213569.2, NM_001173484.2, NM_001377322.1); c.301-39620C>T (NM_001377324.1); c.292-39620C>T (NM_001377325.1); c.310-39620C>T (NM_001377323.1).
Identifiers: ClinVar variation 700783 (VCV000700783.16), dbSNP rs375117092, ClinGen allele CA5433023.